The following is an entry in ClinVar:

NM_006790.3(MYOT):c.1084G>C (p.Glu362Gln)

Genes: MYOT (myotilin; plus strand), PKD2L2-DT (PKD2L2 divergent transcript; minus strand). Cytogenetic location: 5q31.2.
Variant type: single nucleotide variant.
Coding change: c.1084G>C on transcript NM_006790.3 (MANE Select); coding-DNA position 1084, G replaced by C.
Protein change: p.Glu362Gln; replaces glutamic acid 362 with glutamine.
Molecular consequence: missense variant.
Genome position (GRCh38, 1-based): chr5:137,886,107, G>C. VCF-style: chr5-137886107-G-C. GRCh37 (hg19) VCF-style: chr5-137221796-G-C.
Other names: c.532G>C, p.Glu178Gln (NM_001135940.2); c.739G>C, p.Glu247Gln (NM_001300911.2); short protein forms E247Q, E178Q, E362Q.
Identifiers: ClinVar variation 953464 (VCV000953464.10), dbSNP rs755615381, ClinGen allele CA3423105.

ClinVar aggregate classification (germline): Uncertain significance (1 of 4 stars; one submission).

Conditions:
Myofibrillar myopathy 3 (MFM3). Also called: Muscular dystrophy, proximal, type 1A; Autosomal dominant spheroid body myopathy. Identifiers: Orphanet 266, Orphanet 268129, MedGen C3714934, MONDO:0012215, OMIM 609200.

Allele frequency attached by ClinVar (database versions not stated): gnomAD exomes below 0.00001 and 0.00001; ExAC 0.00001.
gnomAD v4.1: 7 of 1,611,412 alleles (0.00043%); highest among the groups gnomAD compares: Non-Finnish European, 0.00059%; no homozygotes.

Submission:

Labcorp Genetics (formerly Invitae), Labcorp
Classification: Uncertain significance for Myofibrillar myopathy 3. Last evaluated: 2019-09-12. Review status: criteria provided, single submitter. Criteria: Invitae Variant Classification Sherloc (09022015). Collection method: clinical testing. Allele origin: germline.
Comment: In summary, the available evidence is currently insufficient to determine the role of this variant in disease. Therefore, it has been classified as a Variant of Uncertain Significance. Algorithms developed to predict the effect of missense changes on protein structure and function (SIFT, PolyPhen-2, Align-GVGD) all suggest that this variant is likely to be disruptive, but these predictions have not been confirmed by published functional studies and their clinical significance is uncertain. This variant has not been reported in the literature in individuals with MYOT-related conditions. This variant is present in population databases (rs755615381, ExAC 0.002%). This sequence change replaces glutamic acid with glutamine at codon 362 of the MYOT protein (p.Glu362Gln). The glutamic acid residue is highly conserved and there is a small physicochemical difference between glutamic acid and glutamine.